The following is an entry in ClinVar:

ClinVar aggregate classification (germline): Likely benign. Review status: criteria provided, single submitter (1 of 4 stars). 2 submissions from 2 submitters: Likely benign (1). 1 of the submissions does not count toward it. Last evaluated 2026-01-27.

Conditions:
MCM3AP-related disorder. Also called: MCM3AP-related condition.

Allele frequency attached by ClinVar (database versions not stated): gnomAD exomes 0.00001; ExAC 0.00002; gnomAD 0.00011; TOPMed 0.00011; ESP Exome Variant Server 0.00023.
gnomAD v4.1: 29 of 1,614,080 alleles (0.0018%); highest among the groups gnomAD compares: African/African-American, 0.037%; no homozygotes.

Submissions (2):

Labcorp Genetics (formerly Invitae), Labcorp
Classification: Likely benign. Last evaluated: 2026-01-27. Review status: criteria provided, single submitter. Criteria: Invitae Variant Classification Sherloc (09022015). Collection method: clinical testing. Allele origin: germline.

PreventionGenetics, part of Exact Sciences
Classification: Likely benign for MCM3AP-related condition. Last evaluated: 2020-01-02. Review status: no assertion criteria provided. Collection method: clinical testing. Allele origin: germline. Not counted in ClinVar's aggregate classification.
Comment: This variant is classified as likely benign based on ACMG/AMP sequence variant interpretation guidelines (Richards et al. 2015 PMID: 25741868, with internal and published modifications).

NM_003906.5(MCM3AP):c.903A>G (p.Pro301=)

Gene: MCM3AP (minichromosome maintenance complex component 3 associated protein; minus strand). Cytogenetic location: 21q22.3.
Variant type: single nucleotide variant.
Coding change: c.903A>G on transcript NM_003906.5 (MANE Select); coding-DNA position 903, A replaced by G.
Protein change: p.Pro301=; no amino-acid change (proline 301 retained).
Molecular consequence: synonymous variant.
Genome position (GRCh38, 1-based): chr21:46,284,384, T>C on the plus strand (A>G on the coding strand, the complement: MCM3AP is on the minus strand). VCF-style: chr21-46284384-T-C. GRCh37 (hg19) VCF-style: chr21-47704298-T-C.
Other names: c.903A>G (NM_003906.4).
Identifiers: ClinVar variation 1660924 (VCV001660924.10), dbSNP rs150252698, ClinGen allele CA10077238.